The following is an entry in ClinVar:

NM_001323289.2(CDKL5):c.506_507del (p.Thr169fs)

Gene: CDKL5 (cyclin dependent kinase like 5; plus strand). Cytogenetic location: Xp22.13.
Variant type: Microsatellite.
Coding change: c.506_507del on transcript NM_001323289.2 (MANE Select); coding-DNA positions 506 to 507, 2 bases deleted (CA; older notation c.506_507delCA).
Protein change: p.Thr169fs; shifts the reading frame from threonine 169.
Molecular consequence: frameshift variant.
Genome position (GRCh38, 1-based): chrX:18,584,305-18,584,306, CA deleted; deleting any 2 consecutive bases within chrX:18,584,302-18,584,306 gives the same sequence; the c. name uses the placement nearest the transcript's 3' end. VCF-style (leftmost placement, unchanged base first): chrX-18584301-TAC-T. GRCh37 (hg19) VCF-style: chrX-18602421-TAC-T.
Other names: NM_001323289.2(CDKL5):c.506_507del; p.Thr169fs; c.506_507delCA (NM_003159.2); c.506_507del, p.Thr169fs (NM_001037343.2, NM_003159.3); short protein forms T169fs.
Identifiers: ClinVar variation 189592 (VCV000189592.7), dbSNP rs786204987, ClinGen allele CA199407.

ClinVar aggregate classification (germline): Pathogenic. Review status: criteria provided, multiple submitters, no conflicts (2 of 4 stars). 4 submissions from 4 submitters: Pathogenic (3). 1 of the submissions does not count toward it. Last evaluated 2024-09-18.

Conditions:
CDKL5 disorder. Identifiers: MedGen CN296942, MONDO:0100039.
Developmental and epileptic encephalopathy, 2 (DEE2). Also called: INFANTILE SPASM SYNDROME, X-LINKED 2; CDKL5 deficiency disorder. Identifiers: Orphanet 1934, Orphanet 3451, Orphanet 505652, MedGen C4750718, MONDO:0010396, OMIM 300672.
Angelman syndrome-like. Identifiers: MedGen CN128785.
CDKL5-related disorder.

Submissions (4):

Centre for Population Genomics, CPG
Classification: Pathogenic for CDKL5 disorder. Last evaluated: 2024-09-18. Review status: criteria provided, single submitter. Criteria: McKnight et al. (Hum Mutat. 2022). Collection method: curation. Allele origin: germline. Inheritance: X-linked inheritance.
Comment: This variant has been collected from RettBASE and curated to current modified ACMG/AMP criteria. Based on the classification scheme defined by the ClinGen Rett/Angelman-like Expert Panel for Rett/AS-like Disorders Specifications to the ACMG/AMP Variant Interpretation Guidelines VCEP 3.0, this variant is classified as pathogenic. At least the following criteria are met: Predicted to result in loss of function, and LOF is a known mechanism of disease (PVS1). This variant is absent from gnomAD v4 (PM2_Supporting). Has been observed in at least 2 individuals with phenotypes consistent with CDKL5 disorder (PS4_Supporting). PMID: 23064044 PMID: 22872100 Variation ID: 189592

PreventionGenetics, part of Exact Sciences
Classification: Pathogenic for CDKL5-related condition. Last evaluated: 2023-07-11. Review status: criteria provided, single submitter. Criteria: ACMG Guidelines, 2015. Collection method: clinical testing. Allele origin: germline.
Comment: The CDKL5 c.506_507delCA variant is predicted to result in a frameshift and premature protein termination (p.Thr169Argfs*36). To our knowledge, this variant has not been reported in the literature or in a large population database, indicating it is rare. Frameshift variants in CDKL5 are expected to be pathogenic, and a similar variant (c.503_504del p.Y168YfsX204) was reported to be de novo in an individual with developmental and epileptic encephalopathy (Raymond et al 2013. PubMed ID: 23064044). The c.506_507delCA (p.Thr169Argfs*36) variant is interpreted as pathogenic.

Labcorp Genetics (formerly Invitae), Labcorp
Classification: Pathogenic for Developmental and epileptic encephalopathy, 2; Angelman syndrome-like. Last evaluated: 2022-12-30. Review status: criteria provided, single submitter. Criteria: Invitae Variant Classification Sherloc (09022015). Collection method: clinical testing. Allele origin: germline.
Comment: For these reasons, this variant has been classified as Pathogenic. ClinVar contains an entry for this variant (Variation ID: 189592). This variant is also known as c.503_504del. This premature translational stop signal has been observed in individual(s) with clinical features of epileptic encephalopathy (PMID: 23064044). This variant is not present in population databases (gnomAD no frequency). This sequence change creates a premature translational stop signal (p.Thr169Argfs*36) in the CDKL5 gene. It is expected to result in an absent or disrupted protein product. Loss-of-function variants in CDKL5 are known to be pathogenic (PMID: 22872100).

RettBASE
Classification: Pathogenic for Epileptic encephalopathy, early infantile, 2. Last evaluated: 2014-03-13. Review status: no assertion criteria provided. Collection method: curation. Allele origin: de novo. Affected: yes. Observed: 1 variant allele. Not counted in ClinVar's aggregate classification.

Literature cited by the submitters: PubMed 23064044 (cited by Labcorp Genetics (formerly Invitae), Labcorp and RettBASE); PubMed 22872100 (cited by Labcorp Genetics (formerly Invitae), Labcorp).